The following is an entry in ClinVar:

NM_001111.5(ADAR):c.*943C>A

Gene: ADAR (adenosine deaminase RNA specific; minus strand). Cytogenetic location: 1q21.3.
Variant type: single nucleotide variant.
Coding change: c.*943C>A on transcript NM_001111.5 (MANE Select); 943 bases downstream of the stop codon, C replaced by A.
Molecular consequence: 3 prime UTR variant.
Genome position (GRCh38, 1-based): chr1:154,583,863, G>T on the plus strand (C>A on the coding strand, the complement: ADAR is on the minus strand). VCF-style: chr1-154583863-G-T. GRCh37 (hg19) VCF-style: chr1-154556339-G-T.
Other names: c.*943C>A (LRG_1212t1, NM_001025107.3, NM_001193495.2 and 7 more transcripts).
Identifiers: ClinVar variation 292730 (VCV000292730.5), dbSNP rs34167604, ClinGen allele CA10608237.

ClinVar aggregate classification (germline): Benign (1 of 4 stars; one submission).

Conditions:
Symmetrical dyschromatosis of extremities (DSH). Also called: Dyschromatosis symmetrica hereditaria; DYSCHROMATOSIS SYMMETRICA HEREDITARIA 1; RETICULATE ACROPIGMENTATION OF DOHI; SYMMETRIC DYSCHROMATOSIS OF THE EXTREMITIES. Identifiers: Orphanet 41, MedGen C0406775, MONDO:0007483, OMIM 127400.

Allele frequency attached by ClinVar (database versions not stated): gnomAD 0.02238 and 0.02095; TOPMed 0.02238; 1000 Genomes Project 0.02157; 1000 Genomes Project 30x 0.02233.

Submission:

Illumina Laboratory Services, Illumina
Classification: Benign for Symmetrical dyschromatosis of extremities. Last evaluated: 2018-01-13. Review status: criteria provided, single submitter. Criteria: ICSL Variant Classification Criteria 13 December 2019. Collection method: clinical testing. Allele origin: germline.
Comment: This variant was observed in the ICSL laboratory as part of a predisposition screen in an ostensibly healthy population. It had not been previously curated by ICSL or reported in the Human Gene Mutation Database (HGMD: prior to June 1st, 2018), and was therefore a candidate for classification through an automated scoring system. Utilizing variant allele frequency, disease prevalence and penetrance estimates, and inheritance mode, an automated score was calculated to assess if this variant is too frequent to cause the disease. Based on the score and internal cut-off values, a variant classified as benign is not then subjected to further curation. The score for this variant resulted in a classification of benign for this disease.